The following is an entry in ClinVar:

NM_030937.6(CCNL2):c.990T>C (p.Ser330=)

Gene: CCNL2 (cyclin L2; minus strand). Cytogenetic location: 1p36.33.
Variant type: single nucleotide variant.
Coding change: c.990T>C on transcript NM_030937.6 (MANE Select); coding-DNA position 990, T replaced by C.
Protein change: p.Ser330=; no amino-acid change (serine 330 retained).
Molecular consequence: synonymous variant. On other transcripts: non-coding transcript variant (3).
Genome position (GRCh38, 1-based): chr1:1,390,246, A>G on the plus strand (T>C on the coding strand, the complement: CCNL2 is on the minus strand). VCF-style: chr1-1390246-A-G. GRCh37 (hg19) VCF-style: chr1-1325626-A-G.
Other names: c.324T>C, p.Ser108= (NM_001320153.3, NM_001320155.3, NM_001350497.2 and 1 more transcripts); c.597T>C, p.Ser199= (NM_001350499.2, NM_001350500.2).
Identifiers: ClinVar variation 3053233 (VCV003053233.2), dbSNP rs1273411297, ClinGen allele CA337816852.

ClinVar aggregate classification (germline): Likely benign (0 of 4 stars; one submission).

Conditions:
CCNL2-related disorder. Also called: CCNL2-related condition.

Allele frequency attached by ClinVar (database versions not stated): gnomAD exomes 0.00004.
gnomAD v4.1: 50 of 1,610,058 alleles (0.0031%); highest among the groups gnomAD compares: Non-Finnish European, 0.0042%; no homozygotes.

Submission:

PreventionGenetics, part of Exact Sciences
Classification: Likely benign for CCNL2-related condition. Last evaluated: 2019-08-28. Review status: no assertion criteria provided. Collection method: clinical testing. Allele origin: germline.
Comment: This variant is classified as likely benign based on ACMG/AMP sequence variant interpretation guidelines (Richards et al. 2015 PMID: 25741868, with internal and published modifications).